The following is an entry in ClinVar:

ClinVar aggregate classification (germline): Uncertain significance. Review status: criteria provided, multiple submitters, no conflicts (2 of 4 stars). 2 submissions from 2 submitters: Uncertain significance (2). Last evaluated 2024-03-10.

Conditions:
Hereditary cancer-predisposing syndrome. Also called: Hereditary neoplastic syndrome; Hereditary Cancer Syndrome; Neoplastic Syndromes, Hereditary; Tumor predisposition. Identifiers: Orphanet 140162, MedGen C0027672, MeSH D009386, MONDO:0015356.
Gorlin syndrome. Also called: Basal cell nevus syndrome; Nevoid Basal Cell Carcinoma Syndrome. Identifiers: Orphanet 377, MedGen C0004779, MONDO:0007187.

Submissions (2):

Ambry Genetics
Classification: Uncertain significance for Hereditary cancer-predisposing syndrome. Last evaluated: 2024-03-10. Review status: criteria provided, single submitter. Criteria: Ambry Variant Classification Scheme 2023. Collection method: clinical testing. Allele origin: germline.
Comment: The p.E703K variant (also known as c.2107G>A), located in coding exon 14 of the PTCH1 gene, results from a G to A substitution at nucleotide position 2107. The glutamic acid at codon 703 is replaced by lysine, an amino acid with similar properties. This amino acid position is conserved. In addition, the in silico prediction for this alteration is inconclusive. Based on the available evidence, the clinical significance of this alteration remains unclear.

Labcorp Genetics (formerly Invitae), Labcorp
Classification: Uncertain significance for Gorlin syndrome. Last evaluated: 2022-07-25. Review status: criteria provided, single submitter. Criteria: Invitae Variant Classification Sherloc (09022015). Collection method: clinical testing. Allele origin: germline.
Comment: This sequence change replaces glutamic acid, which is acidic and polar, with lysine, which is basic and polar, at codon 703 of the PTCH1 protein (p.Glu703Lys). This variant is not present in population databases (gnomAD no frequency). This variant has not been reported in the literature in individuals affected with PTCH1-related conditions. ClinVar contains an entry for this variant (Variation ID: 1366758). Advanced modeling of protein sequence and biophysical properties (such as structural, functional, and spatial information, amino acid conservation, physicochemical variation, residue mobility, and thermodynamic stability) performed at Invitae indicates that this missense variant is not expected to disrupt PTCH1 protein function. In summary, the available evidence is currently insufficient to determine the role of this variant in disease. Therefore, it has been classified as a Variant of Uncertain Significance.

NM_000264.5(PTCH1):c.2107G>A (p.Glu703Lys)

Genes: PTCH1 (patched 1; minus strand), LOC100507346 (uncharacterized LOC100507346; plus strand). Cytogenetic location: 9q22.32.
Variant type: single nucleotide variant.
Coding change: c.2107G>A on transcript NM_000264.5 (MANE Select); coding-DNA position 2107, G replaced by A.
Protein change: p.Glu703Lys; replaces glutamic acid 703 with lysine.
Molecular consequence: missense variant. On other transcripts: non-coding transcript variant (2).
Genome position (GRCh38, 1-based): chr9:95,468,894, C>T on the plus strand (G>A on the coding strand, the complement: PTCH1 is on the minus strand). VCF-style: chr9-95468894-C-T. GRCh37 (hg19) VCF-style: chr9-98231176-C-T.
Other names: c.1909G>A, p.Glu637Lys (NM_001083602.3); c.2104G>A, p.Glu702Lys (NM_001083603.3); c.1654G>A, p.Glu552Lys (NM_001083604.3, NM_001083605.3, NM_001083606.3 and 1 more transcripts); c.1951G>A, p.Glu651Lys (NM_001354918.2); c.2107G>A (NM_000264.3); short protein forms E702K, E703K, E552K, E651K, E637K.
Identifiers: ClinVar variation 1366758 (VCV001366758.7), dbSNP rs2118037130, ClinGen allele CA374115645.